The following is an entry in ClinVar:

ClinVar aggregate classification (germline): Uncertain significance (1 of 4 stars; one submission).

gnomAD v4.1: 37 of 1,613,654 alleles (0.0023%); highest among the groups gnomAD compares: Non-Finnish European, 0.0028%; no homozygotes.

Submission:

GeneDx
Classification: Uncertain significance. Last evaluated: 2026-01-30. Review status: criteria provided, single submitter. Criteria: GeneDx Variant Classification Process June 2021. Collection method: clinical testing. Allele origin: germline.
Comment: Not observed at significant frequency in large population cohorts (gnomAD); In silico analysis suggests that this missense variant does not alter protein structure/function; Has not been previously published as pathogenic or benign to our knowledge

NM_016239.4(MYO15A):c.6337A>G (p.Ile2113Val)

Gene: MYO15A (myosin XVA; plus strand). Cytogenetic location: 17p11.2.
Variant type: single nucleotide variant.
Coding change: c.6337A>G on transcript NM_016239.4 (MANE Select); coding-DNA position 6337, A replaced by G.
Protein change: p.Ile2113Val; replaces isoleucine 2113 with valine.
Molecular consequence: missense variant.
Genome position (GRCh38, 1-based): chr17:18,145,935, A>G. VCF-style: chr17-18145935-A-G. GRCh37 (hg19) VCF-style: chr17-18049249-A-G.
Other names: short protein forms I2113V.
Identifiers: ClinVar variation 4975353 (VCV004975353.1).